The following is an entry in ClinVar:

NM_001042492.3(NF1):c.4564C>T (p.Leu1522Phe)

Gene: NF1 (neurofibromin 1; plus strand). Cytogenetic location: 17q11.2.
Variant type: single nucleotide variant.
Coding change: c.4564C>T on transcript NM_001042492.3 (MANE Select); coding-DNA position 4564, C replaced by T.
Protein change: p.Leu1522Phe; replaces leucine 1522 with phenylalanine.
Molecular consequence: missense variant.
Genome position (GRCh38, 1-based): chr17:31,260,502, C>T. VCF-style: chr17-31260502-C-T. GRCh37 (hg19) VCF-style: chr17-29587520-C-T.
Other names: c.4501C>T, p.Leu1501Phe (NM_000267.4); short protein forms L1501F, L1522F.
Identifiers: ClinVar variation 3404901 (VCV003404901.1).
Genomic context (GRCh38, chr17:31,260,502, plus strand): 5'-GGCAATGTGCTTGCTTTACATCGTCTACTCTGGAACAATCAGGAGAAAATTGGGCAGTAT[C>T]TTTCCAGCAACAGGTAAGATTTCCCAGTCATGGGGATAGTGAACACTCTCCGTTTAAATT-3'
Protein context (NP_001035957.1, residues 1512-1532): WNNQEKIGQY[Leu1522Phe]SSNRDHKAVG

ClinVar aggregate classification (germline): Uncertain significance (1 of 4 stars; one submission).

Conditions:
Hereditary cancer-predisposing syndrome. Also called: Hereditary Cancer Syndrome; Tumor predisposition; Hereditary neoplastic syndrome; Neoplastic Syndromes, Hereditary. Identifiers: Orphanet 140162, MedGen C0027672, MeSH D009386, MONDO:0015356.
Cardiovascular phenotype. Identifiers: MedGen CN230736.

Submission:

Ambry Genetics
Classification: Uncertain significance for Cardiovascular phenotype; Hereditary cancer-predisposing syndrome. Last evaluated: 2024-11-04. Review status: criteria provided, single submitter. Criteria: Ambry Variant Classification Scheme 2023. Collection method: clinical testing. Allele origin: germline.
Comment: The p.L1501F variant (also known as c.4501C>T), located in coding exon 33 of the NF1 gene, results from a C to T substitution at nucleotide position 4501. The leucine at codon 1501 is replaced by phenylalanine, an amino acid with highly similar properties. This amino acid position is conserved. In addition, this alteration is predicted to be deleterious by in silico analysis. Based on the available evidence, the clinical significance of this variant remains unclear.